The following is an entry in ClinVar:

ClinVar aggregate classification (germline): Pathogenic (1 of 4 stars; one submission).

Allele frequency attached by ClinVar (database versions not stated): TOPMed below 0.00001.

Submission:

GeneDx
Classification: Pathogenic. Last evaluated: 2026-10-15. Review status: criteria provided, single submitter. Criteria: GeneDx Variant Classification Process June 2021. Collection method: clinical testing. Allele origin: germline.
Comment: De novo variant (reported as H518R) in a patient with left ventricular outflow tract obstruction who also harbored de novo variants in other genes (PMID: 26785492); In silico analysis supports that this missense variant has a deleterious effect on protein structure/function; Not observed at significant frequency in large population cohorts (gnomAD); This variant is associated with the following publications: (PMID: 28991257, 40127276, 28191890, 37016333, 31941532, 32368696, 31347273, 26785492)

NM_015100.4(POGZ):c.1838A>G (p.His613Arg)

Gene: POGZ (pogo transposable element derived with ZNF domain; minus strand). Cytogenetic location: 1q21.3.
Variant type: single nucleotide variant.
Coding change: c.1838A>G on transcript NM_015100.4 (MANE Select); coding-DNA position 1838, A replaced by G.
Protein change: p.His613Arg; replaces histidine 613 with arginine.
Molecular consequence: missense variant.
Genome position (GRCh38, 1-based): chr1:151,411,713, T>C on the plus strand (A>G on the coding strand, the complement: POGZ is on the minus strand). VCF-style: chr1-151411713-T-C. GRCh37 (hg19) VCF-style: chr1-151384189-T-C.
Other names: c.1811A>G, p.His604Arg (NM_001194937.2); c.1652A>G, p.His551Arg (NM_001194938.2); c.1553A>G, p.His518Arg (NM_145796.4); c.1679A>G, p.His560Arg (NM_207171.2); short protein forms H518R, H551R, H560R, H604R, H613R.
Identifiers: ClinVar variation 1201699 (VCV001201699.8), dbSNP rs1654707272, ClinGen allele CA341963203.